The following is an entry in ClinVar:

ClinVar aggregate classification (germline): Likely benign (0 of 4 stars; one submission).

Conditions:
TNC-related disorder. Also called: TNC-related condition.

Allele frequency attached by ClinVar (database versions not stated): gnomAD 0.00010; ExAC 0.00034; 1000 Genomes Project 30x 0.00078; 1000 Genomes Project 0.00100.
gnomAD v4.1: 223 of 1,613,682 alleles (0.014%); highest among the groups gnomAD compares: South Asian, 0.21%; 2 homozygotes.

Submission:

PreventionGenetics, part of Exact Sciences
Classification: Likely benign for TNC-related condition. Last evaluated: 2019-05-23. Review status: no assertion criteria provided. Collection method: clinical testing. Allele origin: germline.
Comment: This variant is classified as likely benign based on ACMG/AMP sequence variant interpretation guidelines (Richards et al. 2015 PMID: 25741868, with internal and published modifications).

NM_002160.4(TNC):c.6593G>A (p.Arg2198His)

Gene: TNC (tenascin C; minus strand). Cytogenetic location: 9q33.1.
Variant type: single nucleotide variant.
Coding change: c.6593G>A on transcript NM_002160.4 (MANE Select); coding-DNA position 6593, G replaced by A.
Protein change: p.Arg2198His; replaces arginine 2198 with histidine.
Molecular consequence: missense variant.
Genome position (GRCh38, 1-based): chr9:115,021,170, C>T on the plus strand (G>A on the coding strand, the complement: TNC is on the minus strand). VCF-style: chr9-115021170-C-T. GRCh37 (hg19) VCF-style: chr9-117783449-C-T.
Other names: c.6047G>A, p.Arg2016His (NM_001410991.1); short protein forms R2016H, R2198H.
Identifiers: ClinVar variation 3039169 (VCV003039169.2), dbSNP rs565506426, ClinGen allele CA5207319.